The following is an entry in ClinVar:

NM_015046.7(SETX):c.7405C>G (p.Leu2469Val)

Gene: SETX (senataxin; minus strand). Cytogenetic location: 9q34.13.
Variant type: single nucleotide variant.
Coding change: c.7405C>G on transcript NM_015046.7 (MANE Select); coding-DNA position 7405, C replaced by G.
Protein change: p.Leu2469Val; replaces leucine 2469 with valine.
Molecular consequence: missense variant.
Genome position (GRCh38, 1-based): chr9:132,264,868, G>C on the plus strand (C>G on the coding strand, the complement: SETX is on the minus strand). VCF-style: chr9-132264868-G-C. GRCh37 (hg19) VCF-style: chr9-135140255-G-C.
Other names: c.7405C>G, p.Leu2469Val (NM_001351527.2); c.7492C>G, p.Leu2498Val (NM_001351528.2); short protein forms L2469V, L2498V.
Identifiers: ClinVar variation 4789531 (VCV004789531.1).

ClinVar aggregate classification (germline): Uncertain significance (1 of 4 stars; one submission).

Conditions:
Spinocerebellar ataxia, autosomal recessive, with axonal neuropathy 2 (SCAN2). Also called: ATAXIA-OCULOMOTOR APRAXIA 2; Ataxia with Oculomotor Apraxia; Ataxia-ocular apraxia-2; Ataxia with Oculomotor Apraxia Type 2. Identifiers: Orphanet 64753, MedGen C1853761, MONDO:0018996, OMIM 606002.
Amyotrophic lateral sclerosis type 4 (ALS4). Also called: AMYOTROPHIC LATERAL SCLEROSIS 4, JUVENILE; NEURONOPATHY, DISTAL HEREDITARY MOTOR, WITH PYRAMIDAL FEATURES. Identifiers: Orphanet 357043, MedGen C1865409, MONDO:0011223, OMIM 602433.

Submission:

Labcorp Genetics (formerly Invitae), Labcorp
Classification: Uncertain significance for Amyotrophic lateral sclerosis type 4; Spinocerebellar ataxia, autosomal recessive, with axonal neuropathy 2. Last evaluated: 2025-11-08. Review status: criteria provided, single submitter. Criteria: Invitae Variant Classification Sherloc (09022015). Collection method: clinical testing. Allele origin: germline.
Comment: This sequence change replaces leucine, which is neutral and non-polar, with valine, which is neutral and non-polar, at codon 2469 of the SETX protein (p.Leu2469Val). This variant is not present in population databases (gnomAD no frequency). This variant has not been reported in the literature in individuals affected with SETX-related conditions. Invitae Evidence Modeling of protein sequence and biophysical properties (such as structural, functional, and spatial information, amino acid conservation, physicochemical variation, residue mobility, and thermodynamic stability) indicates that this missense variant is not expected to disrupt SETX protein function with a negative predictive value of 95%. In summary, the available evidence is currently insufficient to determine the role of this variant in disease. Therefore, it has been classified as a Variant of Uncertain Significance.